The following is an entry in ClinVar:

ClinVar aggregate classification (germline): Benign/Likely benign. Review status: criteria provided, multiple submitters, no conflicts (2 of 4 stars). 4 submissions from 4 submitters: Benign (1); Likely benign (3). Last evaluated 2025-02-02.

Conditions:
Hereditary cancer-predisposing syndrome. Also called: Neoplastic Syndromes, Hereditary; Hereditary neoplastic syndrome; Tumor predisposition; Hereditary Cancer Syndrome. Identifiers: Orphanet 140162, MedGen C0027672, MeSH D009386, MONDO:0015356.
Familial cancer of breast. Also called: BREAST CANCER, FAMILIAL; hereditary breast carcinoma; Hereditary breast cancer. Identifiers: Orphanet 227535, MedGen C0346153, MONDO:0016419, OMIM 114480. Disease mechanism: loss of function.

Allele frequency attached by ClinVar (database versions not stated): gnomAD exomes below 0.00001.
gnomAD v4.1: 1 of 1,612,596 alleles (0.000062%); highest among the groups gnomAD compares: Non-Finnish European, 0.000085%; no homozygotes.

Submissions (4):

Labcorp Genetics (formerly Invitae), Labcorp
Classification: Likely benign for Familial cancer of breast. Last evaluated: 2025-02-02. Review status: criteria provided, single submitter. Criteria: Invitae Variant Classification Sherloc (09022015). Collection method: clinical testing. Allele origin: germline.

Myriad Genetics, Inc.
Classification: Benign for Familial cancer of breast. Last evaluated: 2024-07-19. Review status: criteria provided, single submitter. Criteria: Myriad Autosomal Dominant, Autosomal Recessive and X-Linked Classification Criteria (2023). Collection method: clinical testing. Allele origin: unknown.
Comment: This variant is considered benign. This variant is a silent/synonymous amino acid change and it is not expected to impact splicing.

Ambry Genetics
Classification: Likely benign for Hereditary cancer-predisposing syndrome. Last evaluated: 2024-05-25. Review status: criteria provided, single submitter. Criteria: Ambry Variant Classification Scheme 2023. Collection method: clinical testing. Allele origin: germline.

Color Diagnostics, LLC DBA Color Health
Classification: Likely benign for Hereditary cancer-predisposing syndrome. Last evaluated: 2017-06-22. Review status: criteria provided, single submitter. Criteria: ACMG Guidelines, 2015. Collection method: clinical testing. Allele origin: germline.

NM_000465.4(BARD1):c.408A>G (p.Ala136=)

Gene: BARD1 (BRCA1 associated RING domain 1; minus strand). Cytogenetic location: 2q35.
Variant type: single nucleotide variant.
Coding change: c.408A>G on transcript NM_000465.4 (MANE Select); coding-DNA position 408, A replaced by G.
Protein change: p.Ala136=; no amino-acid change (alanine 136 retained).
Molecular consequence: synonymous variant. On other transcripts: non-coding transcript variant (2), intron variant (3).
Genome position (GRCh38, 1-based): chr2:214,781,466, T>C on the plus strand (A>G on the coding strand, the complement: BARD1 is on the minus strand). VCF-style: chr2-214781466-T-C. GRCh37 (hg19) VCF-style: chr2-215646190-T-C.
Other names: c.351A>G, p.Ala117= (NM_001282543.2); c.158+27946A>G (NM_001282548.2); c.215+15595A>G (NM_001282545.2); c.364+10831A>G (NM_001282549.2); c.408A>G (NM_000465.2).
Identifiers: ClinVar variation 237837 (VCV000237837.15), dbSNP rs878854012, ClinGen allele CA10581939.